The following is an entry in ClinVar:

NM_012203.2(GRHPR):c.154del (p.Ala52fs)

Gene: GRHPR (glyoxylate and hydroxypyruvate reductase; plus strand). Cytogenetic location: 9p13.2.
Variant type: Deletion.
Coding change: c.154del on transcript NM_012203.2 (MANE Select); coding-DNA position 154, one base deleted (G; older notation c.154delG).
Protein change: p.Ala52fs; shifts the reading frame from alanine 52.
Molecular consequence: frameshift variant.
Genome position (GRCh38, 1-based): chr9:37,424,915, G deleted; the last of 5 consecutive G bases (chr9:37,424,911-37,424,915); deleting any one gives the same sequence. VCF-style (leftmost placement, unchanged base first): chr9-37424910-CG-C. GRCh37 (hg19) VCF-style: chr9-37424907-CG-C.
Other names: short protein forms A52fs.
Identifiers: ClinVar variation 371365 (VCV000371365.10), dbSNP rs751101495, ClinGen allele CA16041323.

ClinVar aggregate classification (germline): Pathogenic/Likely pathogenic. Review status: criteria provided, multiple submitters, no conflicts (2 of 4 stars). 3 submissions from 3 submitters: Pathogenic (1); Likely pathogenic (1). 1 of the submissions does not count toward it. Last evaluated 2022-03-16.

Conditions:
Primary hyperoxaluria, type II (HP2). Also called: OXALOSIS II; D-GLYCERATE DEHYDROGENASE DEFICIENCY; GLYCERIC ACIDURIA; GLYOXYLATE REDUCTASE/HYDROXYPYRUVATE REDUCTASE DEFICIENCY; Primary hyperoxaluria type 2. Identifiers: Orphanet 416, Orphanet 93599, MedGen C0268165, MONDO:0009824, OMIM 260000. Disease mechanism: loss of function.

Submissions (3):

Fulgent Genetics
Classification: Likely pathogenic for Primary hyperoxaluria, type II. Last evaluated: 2022-03-16. Review status: criteria provided, single submitter. Criteria: ACMG Guidelines, 2015. Collection method: clinical testing. Allele origin: unknown.

Labcorp Genetics (formerly Invitae), Labcorp
Classification: Pathogenic. Last evaluated: 2021-04-08. Review status: criteria provided, single submitter. Criteria: Invitae Variant Classification Sherloc (09022015). Collection method: clinical testing. Allele origin: germline.
Comment: This sequence change creates a premature translational stop signal (p.Ala52Profs*56) in the GRHPR gene. It is expected to result in an absent or disrupted protein product. For these reasons, this variant has been classified as Pathogenic. Loss-of-function variants in GRHPR are known to be pathogenic (PMID: 25644115). This variant has not been reported in the literature in individuals with GRHPR-related conditions. ClinVar contains an entry for this variant (Variation ID: 371365). This variant is not present in population databases (ExAC no frequency).

Counsyl
Classification: Likely pathogenic for Primary hyperoxaluria, type II. Last evaluated: 2016-09-07. Review status: no assertion criteria provided. Collection method: clinical testing. Allele origin: unknown. Not counted in ClinVar's aggregate classification.

Literature cited by the submitters: PubMed 25644115 (cited by Labcorp Genetics (formerly Invitae), Labcorp).